The following is an entry in ClinVar:

NM_152743.4(BRAT1):c.1507C>T (p.Pro503Ser)

Gene: BRAT1 (BRCA1 associated ATM activator 1; minus strand). Cytogenetic location: 7p22.3.
Variant type: single nucleotide variant.
Coding change: c.1507C>T on transcript NM_152743.4 (MANE Select); coding-DNA position 1507, C replaced by T.
Protein change: p.Pro503Ser; replaces proline 503 with serine.
Molecular consequence: missense variant. On other transcripts: non-coding transcript variant (1).
Genome position (GRCh38, 1-based): chr7:2,539,634, G>A on the plus strand (C>T on the coding strand, the complement: BRAT1 is on the minus strand). VCF-style: chr7-2539634-G-A. GRCh37 (hg19) VCF-style: chr7-2579268-G-A.
Other names: p.Pro503Ser; c.1507C>T, p.Pro503Ser (NM_001350626.2); c.982C>T, p.Pro328Ser (NM_001350627.2); short protein forms P503S, P328S.
Identifiers: ClinVar variation 472946 (VCV000472946.54), dbSNP rs147745609, ClinGen allele CA4127703.
Genomic context (GRCh38, chr7:2,539,634, plus strand): 5'-ACTCGAGGGCGGAGTCCCTCACCTCCCAGCAGGGGTGGCACAGGCGTTTCTGCAGCACAG[G>A]GAACAGCTCTAGGGTGGGAAGGGACAGGTCAGGGTGACCTTGGGGCCAGGCTCACCCTGC-3'
Protein context (NP_689956.2, residues 493-513): LIPQFLRELF[Pro503Ser]VLQKRLCHPC

ClinVar aggregate classification (germline): Conflicting classifications of pathogenicity. Review status: criteria provided, conflicting classifications (1 of 4 stars). 10 submissions from 10 submitters: Uncertain significance (2); Likely benign (6). 2 of the submissions do not count toward it. Last evaluated 2026-01-19.

Conditions:
Neonatal-onset encephalopathy with rigidity and seizures. Also called: Lethal neonatal spasticity-epileptic encephalopathy syndrome. Identifiers: Orphanet 435845, MedGen C3281029, MONDO:0013784, OMIM 614498.
Intellectual disability. Also called: Intellectual developmental disorder; Intellectual functioning disability; intellectual disabilities. Identifiers: MedGen C3714756, MeSH D008607, MONDO:0001071, HP:0001249.
BRAT1-related disorder. Also called: BRAT1-related condition; BRAT1-related disorders.

Allele frequency attached by ClinVar (database versions not stated): 1000 Genomes Project 30x 0.00016; 1000 Genomes Project 0.00020; ESP Exome Variant Server 0.00062; gnomAD 0.00063 and 0.00078; TOPMed 0.00082; gnomAD exomes 0.00098; ExAC 0.00248.

Submissions (10):

Labcorp Genetics (formerly Invitae), Labcorp
Classification: Likely benign for Neonatal-onset encephalopathy with rigidity and seizures. Last evaluated: 2026-01-19. Review status: criteria provided, single submitter. Criteria: Invitae Variant Classification Sherloc (09022015). Collection method: clinical testing. Allele origin: germline.

Mayo Clinic Laboratories, Mayo Clinic
Classification: Likely benign. Last evaluated: 2024-12-16. Review status: criteria provided, single submitter. Criteria: ACMG Guidelines, 2015. Collection method: clinical testing. Allele origin: germline. Observed: 1 variant allele.
Comment: BS1, BP4

Blueprint Genetics
Classification: Likely benign. Last evaluated: 2024-11-25. Review status: criteria provided, single submitter. Criteria: ACMG Guidelines, 2015. Collection method: clinical testing. Allele origin: germline.

ARUP Laboratories, Molecular Genetics and Genomics, ARUP Laboratories
Classification: Likely benign. Last evaluated: 2024-06-18. Review status: criteria provided, single submitter. Criteria: ARUP Molecular Germline Variant Investigation Process 2024. Collection method: clinical testing. Allele origin: germline.

CeGaT Center for Human Genetics Tuebingen
Classification: Likely benign. Last evaluated: 2023-02-01. Review status: criteria provided, single submitter. Criteria: CeGaT Center For Human Genetics Tuebingen Variant Classification Criteria Version 2. Collection method: clinical testing. Allele origin: germline. Affected: yes. Observed: 2 variant alleles.
Comment: BRAT1: BP4

Revvity Omics, Revvity
Classification: Uncertain significance. Last evaluated: 2022-03-16. Review status: criteria provided, single submitter. Criteria: ACMG Guidelines, 2015. Collection method: clinical testing. Allele origin: germline.

GeneDx
Classification: Likely benign. Last evaluated: 2021-05-28. Review status: criteria provided, single submitter. Criteria: GeneDx Variant Classification Process June 2021. Collection method: clinical testing. Allele origin: germline. Affected: yes.

Athena Diagnostics
Classification: Uncertain significance. Last evaluated: 2017-11-28. Review status: criteria provided, single submitter. Criteria: Athena Diagnostics Criteria. Collection method: clinical testing. Allele origin: germline.

PreventionGenetics, part of Exact Sciences
Classification: Likely benign for BRAT1-related condition. Last evaluated: 2021-02-05. Review status: no assertion criteria provided. Collection method: clinical testing. Allele origin: germline. Not counted in ClinVar's aggregate classification.
Comment: This variant is classified as likely benign based on ACMG/AMP sequence variant interpretation guidelines (Richards et al. 2015 PMID: 25741868, with internal and published modifications).

Centre de Biologie Pathologie Génétique, Centre Hospitalier Universitaire de Lille
Classification: Likely benign for Intellectual disability. Last evaluated: 2019-01-01. Review status: no assertion criteria provided. Collection method: clinical testing. Allele origin: inherited. Affected: yes. Not counted in ClinVar's aggregate classification.